The following is an entry in ClinVar:

ClinVar aggregate classification (germline): Uncertain significance (1 of 4 stars; one submission).

gnomAD v4.1: 28 of 1,553,670 alleles (0.0018%); highest among the groups gnomAD compares: Middle Eastern, 0.017%; no homozygotes.

Submission:

Women's Health and Genetics/Laboratory Corporation of America, LabCorp
Classification: Uncertain significance. Last evaluated: 2025-12-22. Review status: criteria provided, single submitter. Criteria: LabCorp Variant Classification Summary - May 2015. Collection method: clinical testing. Allele origin: germline.
Comment: Variant summary: SLC5A5 c.*15G>A is located in the untranslated mRNA region downstream of the termination codon. The variant allele was found at a frequency of 1.3e-05 in 159402 control chromosomes. The available data on variant occurrences in the general population are insufficient to allow any conclusion about variant significance. To our knowledge, no occurrence of c.*15G>A in individuals affected with SLC5A5-related conditions and no experimental evidence demonstrating its impact on protein function have been reported. No submitters have cited clinical-significance assessments for this variant to ClinVar. Based on the evidence outlined above, the variant was classified as uncertain significance.

NM_000453.3(SLC5A5):c.*15G>A

Gene: SLC5A5 (solute carrier family 5 member 5; plus strand). Cytogenetic location: 19p13.11.
Variant type: single nucleotide variant.
Coding change: c.*15G>A on transcript NM_000453.3 (MANE Select); 15 bases downstream of the stop codon, G replaced by A.
Molecular consequence: 3 prime UTR variant.
Genome position (GRCh38, 1-based): chr19:17,893,892, G>A. VCF-style: chr19-17893892-G-A. GRCh37 (hg19) VCF-style: chr19-18004701-G-A.
Other names: c.*15G>A (NM_001440707.1).
Identifiers: ClinVar variation 4688924 (VCV004688924.1).